The following is an entry in ClinVar:

ClinVar aggregate classification (germline): Benign/Likely benign. Review status: criteria provided, multiple submitters, no conflicts (2 of 4 stars). 8 submissions from 8 submitters: Benign (5); Likely benign (3). Last evaluated 2026-09-01.

Conditions:
Inborn genetic diseases. Identifiers: MedGen C0950123, MeSH D030342.
Autosomal dominant intellectual disability-craniofacial anomalies-cardiac defects syndrome (ARTHS). Also called: Arboleda-Tham syndrome; Mental retardation, autosomal dominant 32; KAT6A syndrome. Identifiers: Orphanet 457193, MedGen C4225396, MONDO:0014558, OMIM 616268.

Allele frequency attached by ClinVar (database versions not stated): gnomAD 0.00722 and 0.00745; ExAC 0.00754; gnomAD exomes 0.00754 and 0.01054; ESP Exome Variant Server 0.00992; 1000 Genomes Project 0.00200; 1000 Genomes Project 30x 0.00203; TOPMed 0.00612.
gnomAD v4.1: 16,336 of 1,614,088 alleles (1%); highest among the groups gnomAD compares: Non-Finnish European, 1.2%; 103 homozygotes.

Submissions (8):

CeGaT Center for Human Genetics Tuebingen
Classification: Benign. Last evaluated: 2026-09-01. Review status: criteria provided, single submitter. Criteria: CeGaT Center For Human Genetics Tuebingen Variant Classification Criteria Version 2. Collection method: clinical testing. Allele origin: germline. Affected: yes. Observed: 39 variant alleles.
Comment: KAT6A: BP4, BS1, BS2

Labcorp Genetics (formerly Invitae), Labcorp
Classification: Benign. Last evaluated: 2026-02-03. Review status: criteria provided, single submitter. Criteria: Invitae Variant Classification Sherloc (09022015). Collection method: clinical testing. Allele origin: germline.

Fulgent Genetics
Classification: Likely benign for Autosomal dominant intellectual disability-craniofacial anomalies-cardiac defects syndrome. Last evaluated: 2021-12-30. Review status: criteria provided, single submitter. Criteria: ACMG Guidelines, 2015. Collection method: clinical testing. Allele origin: unknown.

GeneDx
Classification: Benign. Last evaluated: 2020-10-27. Review status: criteria provided, single submitter. Criteria: GeneDx Variant Classification Process June 2021. Collection method: clinical testing. Allele origin: germline. Affected: yes.

Genetic Services Laboratory, University of Chicago
Classification: Benign. Last evaluated: 2019-06-25. Review status: criteria provided, single submitter. Criteria: ACMG Guidelines, 2015. Collection method: clinical testing. Allele origin: germline. Affected: no.

Center for Pediatric Genomic Medicine, Children's Mercy Hospital and Clinics
Classification: Likely benign. Last evaluated: 2017-04-18. Review status: criteria provided, single submitter. Criteria: ACMG Guidelines, 2015. Collection method: clinical testing. Allele origin: germline.

Ambry Genetics
Classification: Benign for Inborn genetic diseases. Last evaluated: 2016-04-26. Review status: criteria provided, single submitter. Criteria: Ambry Variant Classification Scheme 2023. Collection method: clinical testing. Allele origin: germline.

Breakthrough Genomics
Classification: Likely benign. Review status: criteria provided, single submitter. Criteria: ACMG Guidelines, 2015. Collection method: not provided. Allele origin: germline. Inheritance: Autosomal dominant inheritance. Affected: yes.

NM_006766.5(KAT6A):c.4324G>A (p.Ala1442Thr)

Gene: KAT6A (lysine acetyltransferase 6A; minus strand). Cytogenetic location: 8p11.21.
Variant type: single nucleotide variant.
Coding change: c.4324G>A on transcript NM_006766.5 (MANE Select); coding-DNA position 4324, G replaced by A.
Protein change: p.Ala1442Thr; replaces alanine 1442 with threonine.
Molecular consequence: missense variant.
Genome position (GRCh38, 1-based): chr8:41,933,896, C>T on the plus strand (G>A on the coding strand, the complement: KAT6A is on the minus strand). VCF-style: chr8-41933896-C-T. GRCh37 (hg19) VCF-style: chr8-41791414-C-T.
Other names: short protein forms A1442T.
Identifiers: ClinVar variation 445863 (VCV000445863.50), dbSNP rs113195648, ClinGen allele CA4729506.